The following is an entry in ClinVar:

ClinVar aggregate classification (germline): Conflicting classifications of pathogenicity. Review status: criteria provided, conflicting classifications (1 of 4 stars). 8 submissions from 8 submitters: Uncertain significance (7); Likely benign (1). Last evaluated 2026-03-10.

Conditions:
PKP2-related disorder. Also called: PKP2-related condition.
Cardiovascular phenotype. Identifiers: MedGen CN230736.
Arrhythmogenic right ventricular cardiomyopathy (ARVD). Also called: Arrhythmogenic cardiomyopathy; Arrhythmogenic Right Ventricular Cardiomyopathy (ARVC); Arrhythmogenic right ventricular dysplasia; Cardiomyopathy, ARVC. Identifiers: Orphanet 247, MedGen C0349788, MeSH D019571, MONDO:0016587. Disease mechanism: loss of function. Inheritance: Various modes of inheritance.
Cardiomyopathy (CMYO). Also called: Cardiomyopathies. Identifiers: Orphanet 167848, MedGen C0878544, MONDO:0004994, HP:0001638. Inheritance: Various modes of inheritance.
Arrhythmogenic right ventricular dysplasia 9 (ARVD9). Also called: ARRHYTHMOGENIC RIGHT VENTRICULAR DYSPLASIA, FAMILIAL, 9; Arrhythmogenic Right Ventricular Dysplasia/Cardiomyopathy 9. Identifiers: MedGen C1836906, MONDO:0012180, OMIM 609040.

Allele frequency attached by ClinVar (database versions not stated): ExAC 0.00002; gnomAD exomes 0.00003 and 0.00006; TOPMed 0.00003; gnomAD 0.00004 and 0.00005; 1000 Genomes Project 30x 0.00016; 1000 Genomes Project 0.00020.
gnomAD v4.1: 88 of 1,611,870 alleles (0.0055%); highest among the groups gnomAD compares: South Asian, 0.021%; no homozygotes.

Submissions (8):

PreventionGenetics, part of Exact Sciences
Classification: Uncertain significance for PKP2-related condition. Last evaluated: 2026-03-10. Review status: criteria provided, single submitter. Criteria: ACMG Guidelines, 2015. Collection method: clinical testing. Allele origin: germline.
Comment: The PKP2 c.1708G>A variant is predicted to result in the amino acid substitution p.Ala570Thr. To our knowledge, this variant has not been reported in the literature. This variant is reported in 0.0065% of alleles in individuals of South Asian descent in gnomAD. At this time, the clinical significance of this variant is uncertain due to the absence of conclusive functional and genetic evidence.

Color Diagnostics, LLC DBA Color Health
Classification: Likely benign for Cardiomyopathy. Last evaluated: 2025-07-22. Review status: criteria provided, single submitter. Criteria: ACMG Guidelines, 2015. Collection method: clinical testing. Allele origin: germline.

Labcorp Genetics (formerly Invitae), Labcorp
Classification: Uncertain significance for Arrhythmogenic right ventricular dysplasia 9. Last evaluated: 2025-01-14. Review status: criteria provided, single submitter. Criteria: Invitae Variant Classification Sherloc (09022015). Collection method: clinical testing. Allele origin: germline.
Comment: This sequence change replaces alanine, which is neutral and non-polar, with threonine, which is neutral and polar, at codon 570 of the PKP2 protein (p.Ala570Thr). This variant is present in population databases (rs558637427, gnomAD 0.006%). This variant has not been reported in the literature in individuals affected with PKP2-related conditions. ClinVar contains an entry for this variant (Variation ID: 406549). An algorithm developed to predict the effect of missense changes on protein structure and function (PolyPhen-2) suggests that this variant¬†is likely to be tolerated. In summary, the available evidence is currently insufficient to determine the role of this variant in disease. Therefore, it has been classified as a Variant of Uncertain Significance.

Ambry Genetics
Classification: Uncertain significance for Cardiovascular phenotype. Last evaluated: 2024-08-23. Review status: criteria provided, single submitter. Criteria: Ambry Variant Classification Scheme 2023. Collection method: clinical testing. Allele origin: germline.
Comment: The p.A570T variant (also known as c.1708G>A), located in coding exon 8 of the PKP2 gene, results from a G to A substitution at nucleotide position 1708. The alanine at codon 570 is replaced by threonine, an amino acid with similar properties. This amino acid position is poorly conserved in available vertebrate species. In addition, this alteration is predicted to be tolerated by in silico analysis. Since supporting evidence is limited at this time, the clinical significance of this alteration remains unclear.

GeneDx
Classification: Uncertain significance. Last evaluated: 2024-07-11. Review status: criteria provided, single submitter. Criteria: GeneDx Variant Classification Process June 2021. Collection method: clinical testing. Allele origin: germline. Affected: yes.
Comment: Has not been previously published as pathogenic or benign to our knowledge; In silico analysis indicates that this missense variant does not alter protein structure/function

All of Us Research Program, National Institutes of Health
Classification: Uncertain significance for Arrhythmogenic right ventricular cardiomyopathy. Last evaluated: 2024-03-05. Review status: criteria provided, single submitter. Criteria: ACMG Guidelines, 2015. Collection method: clinical testing. Allele origin: germline. Inheritance: Autosomal dominant inheritance. Observed: 14 variant alleles, 14 heterozygotes.
Comment: This missense variant replaces alanine with threonine at codon 570 of the PKP2 protein. Computational prediction suggests that this variant may not impact protein structure and function (internally defined REVEL score threshold <= 0.5, PMID: 27666373). To our knowledge, functional studies have not been reported for this variant. This variant has not been reported in individuals affected with cardiovascular disorders in the literature. This variant has been identified in 8/250878 chromosomes in the general population by the Genome Aggregation Database (gnomAD). The available evidence is insufficient to determine the role of this variant in disease conclusively. Therefore, this variant is classified as a Variant of Uncertain Significance.

This study involves interpretation of variants in research participants for the purpose of population health screening. Participant phenotype was not available at the time of variant classification. Additional details can be found in publication PMID: 35346344, PMCID: PMC8962531

Women's Health and Genetics/Laboratory Corporation of America, LabCorp
Classification: Uncertain significance. Last evaluated: 2024-01-15. Review status: criteria provided, single submitter. Criteria: LabCorp Variant Classification Summary - May 2015. Collection method: clinical testing. Allele origin: germline.

Fulgent Genetics
Classification: Uncertain significance for Arrhythmogenic right ventricular dysplasia 9. Last evaluated: 2021-09-16. Review status: criteria provided, single submitter. Criteria: ACMG Guidelines, 2015. Collection method: clinical testing. Allele origin: unknown.

NM_001005242.3(PKP2):c.1576G>A (p.Ala526Thr)

Gene: PKP2 (plakophilin 2; minus strand). Cytogenetic location: 12p11.21.
Variant type: single nucleotide variant.
Coding change: c.1576G>A on transcript NM_001005242.3 (MANE Select); coding-DNA position 1576, G replaced by A.
Protein change: p.Ala526Thr; replaces alanine 526 with threonine.
Molecular consequence: missense variant.
Genome position (GRCh38, 1-based): chr12:32,824,143, C>T on the plus strand (G>A on the coding strand, the complement: PKP2 is on the minus strand). VCF-style: chr12-32824143-C-T. GRCh37 (hg19) VCF-style: chr12-32977077-C-T.
Other names: c.1708G>A, p.Ala570Thr (NM_004572.4); short protein forms A570T, A526T.
Identifiers: ClinVar variation 406549 (VCV000406549.23), dbSNP rs558637427, ClinGen allele CA030478.